The following is an entry in ClinVar:

NM_001372044.2(SHANK3):c.3988C>T (p.Arg1330Trp)

Gene: SHANK3 (SH3 and multiple ankyrin repeat domains 3; plus strand). Cytogenetic location: 22q13.33.
Variant type: single nucleotide variant.
Coding change: c.3988C>T on transcript NM_001372044.2 (MANE Select); coding-DNA position 3988, C replaced by T.
Protein change: p.Arg1330Trp; replaces arginine 1330 with tryptophan.
Molecular consequence: missense variant.
Genome position (GRCh38, 1-based): chr22:50,721,596, C>T. VCF-style: chr22-50721596-C-T. GRCh37 (hg19) VCF-style: chr22-51160024-C-T.
Other names: short protein forms R1330W.
Identifiers: ClinVar variation 4535808 (VCV004535808.1).
Genomic context (GRCh38, chr22:50,721,596, plus strand): 5'-CCGGAGTTGGCCCCGGCCCCCATGCAGTCAGCGGCTGTGGCAGAGCCCCTGCCCAGCCCC[C>T]GGGCCCAGCCCCCTGGTGGCACCCCGGCAGACGCCGGGCCAGGCCAGGGCAGCTCAGAGG-3'
Protein context (NP_001358973.1, residues 1320-1340): AAVAEPLPSP[Arg1330Trp]AQPPGGTPAD

ClinVar aggregate classification (germline): Uncertain significance (1 of 4 stars; one submission).

Submission:

Women's Health and Genetics/Laboratory Corporation of America, LabCorp
Classification: Uncertain significance. Last evaluated: 2025-09-04. Review status: criteria provided, single submitter. Criteria: LabCorp Variant Classification Summary - May 2015. Collection method: clinical testing. Allele origin: germline.
Comment: Variant summary: SHANK3 c.3988C>T (p.Pro1330Ser) results in a non-conservative amino acid change in the encoded protein sequence. Algorithms developed to predict the effect of missense changes on protein structure and function are either unavailable or do not agree on the potential impact of this missense change. The variant allele was found at a frequency of 1.9e-05 in 211962 control chromosomes. The available data on variant occurrences in the general population are insufficient to allow any conclusion about variant significance. To our knowledge, no occurrence of c.3988C>T in individuals affected with SHANK3-related conditions and no experimental evidence demonstrating its impact on protein function have been reported. ClinVar contains an entry for this variant (Variation ID: 1735080). Based on the evidence outlined above, the variant was classified as uncertain significance.